The following is an entry in ClinVar:

ClinVar aggregate classification (germline): Uncertain significance. Review status: criteria provided, multiple submitters, no conflicts (2 of 4 stars). 3 submissions from 3 submitters: Uncertain significance (3). Last evaluated 2025-03-19.

Conditions:
Hereditary cancer-predisposing syndrome. Also called: Neoplastic Syndromes, Hereditary; Tumor predisposition; Hereditary Cancer Syndrome; Hereditary neoplastic syndrome. Identifiers: Orphanet 140162, MedGen C0027672, MeSH D009386, MONDO:0015356.
Neurofibromatosis, type 1 (NF1). Also called: NEUROFIBROMATOSIS, TYPE I, SOMATIC; Peripheral type neurofibromatosis; Neurofibromatosis, type I; VON RECKLINGHAUSEN DISEASE. Identifiers: Orphanet 636, MedGen C0027831, MONDO:0018975, OMIM 162200. Disease mechanism: loss of function.

Submissions (3):

Labcorp Genetics (formerly Invitae), Labcorp
Classification: Uncertain significance for Neurofibromatosis, type 1. Last evaluated: 2025-03-19. Review status: criteria provided, single submitter. Criteria: Invitae Variant Classification Sherloc (09022015). Collection method: clinical testing. Allele origin: germline.
Comment: This sequence change replaces valine, which is neutral and non-polar, with alanine, which is neutral and non-polar, at codon 1829 of the NF1 protein (p.Val1829Ala). This variant is not present in population databases (gnomAD no frequency). This variant has not been reported in the literature in individuals affected with NF1-related conditions. ClinVar contains an entry for this variant (Variation ID: 522137). Invitae Evidence Modeling of protein sequence and biophysical properties (such as structural, functional, and spatial information, amino acid conservation, physicochemical variation, residue mobility, and thermodynamic stability) indicates that this missense variant is expected to disrupt NF1 protein function with a positive predictive value of 95%. In summary, the available evidence is currently insufficient to determine the role of this variant in disease. Therefore, it has been classified as a Variant of Uncertain Significance.

3billion
Classification: Uncertain significance for Neurofibromatosis, type 1. Last evaluated: 2024-08-28. Review status: criteria provided, single submitter. Criteria: ACMG Guidelines, 2015. Collection method: clinical testing. Allele origin: germline. Affected: yes.
Comment: The variant is not observed in the gnomAD v4.0.0 dataset. Predicted Consequence/Location: Missense variant In silico tool predictions suggest damaging effect of the variant on gene or gene product [REVEL: 0.52 (>=0.6, sensitivity 0.68 and specificity 0.92); 3Cnet: 0.99 (>=0.6, sensitivity 0.72 and precision 0.9)]. The variant has been reported as of uncertain significance (ClinVar ID: VCV000522137, VCV001045995, VCV000804227, VCV001468975, VCV000938664). Therefore, this variant is classified as VUS according to the recommendation of ACMG/AMP guideline.

Ambry Genetics
Classification: Uncertain significance for Hereditary cancer-predisposing syndrome. Last evaluated: 2023-07-13. Review status: criteria provided, single submitter. Criteria: Ambry General Variant Classification Scheme_2022. Collection method: clinical testing. Allele origin: germline.
Comment: The c.5549T>C (p.V1850A) alteration is located in coding exon 38 of the NF1 gene. This alteration results from a T to C substitution at nucleotide position 5549, causing the valine (V) at amino acid position 1850 to be replaced by an alanine (A). This variant was not reported in population-based cohorts in the Genome Aggregation Database (gnomAD). This amino acid position is highly conserved in available vertebrate species. This missense alteration is located in a region that has a low rate of benign missense variation (Lek, 2016; Firth, 2009). The p.V1850 amino acid is located within the leucine-rich repeat domain (LRD) of NF1, which is involved in neuronal differentiation via interactions with the VCP protein (Wang, 2011). This alteration is predicted to be deleterious by in silico analysis. Based on insufficient or conflicting evidence, the clinical significance of this alteration remains unclear.

Literature cited by the submitters: PubMed 22105171 (cited by Ambry Genetics); PubMed 23656349 (cited by Ambry Genetics).

NM_001042492.3(NF1):c.5549T>C (p.Val1850Ala)

Gene: NF1 (neurofibromin 1; plus strand). Cytogenetic location: 17q11.2.
Variant type: single nucleotide variant.
Coding change: c.5549T>C on transcript NM_001042492.3 (MANE Select); coding-DNA position 5549, T replaced by C.
Protein change: p.Val1850Ala; replaces valine 1850 with alanine.
Molecular consequence: missense variant.
Genome position (GRCh38, 1-based): chr17:31,327,779, T>C. VCF-style: chr17-31327779-T-C. GRCh37 (hg19) VCF-style: chr17-29654797-T-C.
Other names: c.5486T>C, p.Val1829Ala (NM_000267.4); short protein forms V1829A, V1850A.
Identifiers: ClinVar variation 522137 (VCV000522137.6), dbSNP rs1555533637, ClinGen allele CA399009863.
Genomic context (GRCh38, chr17:31,327,779, plus strand): 5'-GCTGGGAACTGTCACAGCCCGACTCTATCCCCCAACACACCAAGATTCGGCCAAAAGATG[T>C]CCCTGGGACACTGCTCAATATCGCATTACTTAATTTAGGCAGTTCTGACCCGAGTTTACG-3'
Protein context (NP_001035957.1, residues 1840-1860): PQHTKIRPKD[Val1850Ala]PGTLLNIALL